The following is an entry in ClinVar:

ClinVar aggregate classification (germline): Conflicting classifications of pathogenicity. Review status: criteria provided, conflicting classifications (1 of 4 stars). 4 submissions from 4 submitters: Likely pathogenic (2); Uncertain significance (2). Last evaluated 2025-01-29.

Conditions:
Bloom syndrome (BLM). Also called: Bloom-Torre-Machacek syndrome. Identifiers: Orphanet 125, MedGen C0005859, MONDO:0008876, OMIM 210900.
Hereditary cancer-predisposing syndrome. Also called: Neoplastic Syndromes, Hereditary; Hereditary neoplastic syndrome; Tumor predisposition; Hereditary Cancer Syndrome. Identifiers: Orphanet 140162, MedGen C0027672, MeSH D009386, MONDO:0015356.

Allele frequency attached by ClinVar (database versions not stated): TOPMed below 0.00001.

Submissions (4):

Labcorp Genetics (formerly Invitae), Labcorp
Classification: Uncertain significance for Bloom syndrome. Last evaluated: 2025-01-29. Review status: criteria provided, single submitter. Criteria: Invitae Variant Classification Sherloc (09022015). Collection method: clinical testing. Allele origin: germline.
Comment: This sequence change replaces glycine, which is neutral and non-polar, with glutamic acid, which is acidic and polar, at codon 891 of the BLM protein (p.Gly891Glu). This variant is not present in population databases (gnomAD no frequency). This missense change has been observed in individual(s) with Bloom syndrome (PMID: 17407155). In at least one individual the data is consistent with being in trans (on the opposite chromosome) from a pathogenic variant. ClinVar contains an entry for this variant (Variation ID: 524780). Invitae Evidence Modeling of protein sequence and biophysical properties (such as structural, functional, and spatial information, amino acid conservation, physicochemical variation, residue mobility, and thermodynamic stability) indicates that this missense variant is expected to disrupt BLM protein function with a positive predictive value of 80%. Experimental studies have shown that this missense change affects BLM function (PMID: 17878217). In summary, the available evidence is currently insufficient to determine the role of this variant in disease. Therefore, it has been classified as a Variant of Uncertain Significance.

Natera, Inc.
Classification: Likely pathogenic for Bloom syndrome. Last evaluated: 2024-07-30. Review status: criteria provided, single submitter. Criteria: Natera Variant Classification Schema (03/2026). Collection method: clinical testing. Allele origin: germline.
Comment: The c.2672G>A variant in BLM is a missense variant predicted to cause substitution of glycine to glutamic acid at amino acid 891. This variant is rare in the general population with a frequency below the threshold expected for the associated phenotype(s). This variant has been observed in one or more individuals affected with the associated recessive disease, as either homozygous or compound heterozygous with a second variant (PMID: 17407155). Functional studies show that this variant may disrupt protein function (PMID: 33453166). Computational prediction algorithms indicate this variant is likely to affect gene or protein function. Given the available evidence, this variant is classified as Likely Pathogenic.

Fulgent Genetics
Classification: Likely pathogenic for Bloom syndrome. Last evaluated: 2024-03-24. Review status: criteria provided, single submitter. Criteria: ACMG Guidelines, 2015. Collection method: clinical testing. Allele origin: germline.

Ambry Genetics
Classification: Uncertain significance for Hereditary cancer-predisposing syndrome. Last evaluated: 2023-04-17. Review status: criteria provided, single submitter. Criteria: Ambry Variant Classification Scheme 2023. Collection method: clinical testing. Allele origin: germline.
Comment: The p.G891E variant (also known as c.2672G>A), located in coding exon 13 of the BLM gene, results from a G to A substitution at nucleotide position 2672. The glycine at codon 891 is replaced by glutamic acid, an amino acid with similar properties. This variant was observed in a compound heterozygous individual affected with Bloom Syndrome (German J et al. Hum. Mutat., 2007 Aug;28:743-53). Structural modeling of the p.G891E variant on the BLM helicase domain predicts that this variant will abolish both ATPase and DNA unwinding activities of BLM protein (Rong SB et al. Mol. Med., 2000 Mar;6:155-64). An in-depth in vitro analysis for BLM function in this variant showed a strong reduction in helicase, ATPase, and DNA binding activities, but no deficiency in ATP binding (Guo RB et al. Nucleic Acids Res., 2007 Sep;35:6297-310). This variant is considered to be rare based on population cohorts in the Genome Aggregation Database (gnomAD). This amino acid position is highly conserved in available vertebrate species. In addition, this alteration is predicted to be deleterious by in silico analysis. Since supporting evidence is limited at this time, the clinical significance of this alteration remains unclear.

Literature cited by the submitters: PubMed 17407155 (cited by 3 submitters); PubMed 17878217 (cited by Labcorp Genetics (formerly Invitae), Labcorp and Ambry Genetics); PubMed 33453166 (cited by Natera, Inc.); PubMed 10965492 (cited by Ambry Genetics).

NM_000057.4(BLM):c.2672G>A (p.Gly891Glu)

Gene: BLM (BLM RecQ like helicase; plus strand). Cytogenetic location: 15q26.1.
Variant type: single nucleotide variant.
Coding change: c.2672G>A on transcript NM_000057.4 (MANE Select); coding-DNA position 2672, G replaced by A.
Protein change: p.Gly891Glu; replaces glycine 891 with glutamic acid.
Molecular consequence: missense variant.
Genome position (GRCh38, 1-based): chr15:90,784,930, G>A. VCF-style: chr15-90784930-G-A. GRCh37 (hg19) VCF-style: chr15-91328160-G-A.
Other names: c.2672G>A, p.Gly891Glu (NM_001287246.2, NM_001287247.2); c.1547G>A, p.Gly516Glu (NM_001287248.2); short protein forms G891E, G516E.
Identifiers: ClinVar variation 524780 (VCV000524780.12), dbSNP rs763471784, ClinGen allele CA393845864.